The following is an entry in ClinVar:

NM_000372.5(TYR):c.241C>T (p.Pro81Ser)

Gene: TYR (tyrosinase; plus strand). Cytogenetic location: 11q14.3.
Variant type: single nucleotide variant.
Coding change: c.241C>T on transcript NM_000372.5 (MANE Select); coding-DNA position 241, C replaced by T.
Protein change: p.Pro81Ser; replaces proline 81 with serine.
Molecular consequence: missense variant.
Genome position (GRCh38, 1-based): chr11:89,178,194, C>T. VCF-style: chr11-89178194-C-T. GRCh37 (hg19) VCF-style: chr11-88911362-C-T.
Other names: short protein forms P81S.
Identifiers: ClinVar variation 2679408 (VCV002679408.6), dbSNP rs754654473, ClinGen allele CA6221067.

ClinVar aggregate classification (germline): Pathogenic/Likely pathogenic. Review status: criteria provided, multiple submitters, no conflicts (2 of 4 stars). 3 submissions from 3 submitters: Pathogenic (2); Likely pathogenic (1). Last evaluated 2025-05-22.

Conditions:
Oculocutaneous albinism type 1A (OCA1A). Also called: Albinism, oculocutaneous, type IA. Identifiers: Orphanet 352731, Orphanet 79431, MedGen C4551504, MONDO:0008745, OMIM 203100. Disease mechanism: loss of function.
Oculocutaneous albinism type 1B (OCA1B). Also called: YELLOW ALBINISM; ALBINISM, OCULOCUTANEOUS, TYPE IB; ALBINISM, YELLOW MUTANT TYPE. Identifiers: Orphanet 352731, Orphanet 352737, Orphanet 79434, MedGen C1847024, MONDO:0011749, OMIM 606952.
SKIN/HAIR/EYE PIGMENTATION 3, LIGHT/DARK SKIN (SHEP3). Also called: SKIN/HAIR/EYE PIGMENTATION 3, BLUE/GREEN EYE COLOR; SKIN/HAIR/EYE PIGMENTATION 3, FRECKLING; SKIN/HAIR/EYE PIGMENTATION, VARIATION IN, 3; EYE COLOR 1; EYE COLOR, GREEN/BLUE. Identifiers: MedGen C2677190, OMIM 601800.

Allele frequency attached by ClinVar (database versions not stated): gnomAD 0.00001; TOPMed 0.00001; ExAC 0.00002; gnomAD exomes 0.00003.
gnomAD v4.1: 42 of 1,614,042 alleles (0.0026%); highest among the groups gnomAD compares: Non-Finnish European, 0.0033%; no homozygotes.

Submissions (3):

Labcorp Genetics (formerly Invitae), Labcorp
Classification: Pathogenic. Last evaluated: 2025-05-22. Review status: criteria provided, single submitter. Criteria: Invitae Variant Classification Sherloc (09022015). Collection method: clinical testing. Allele origin: germline.
Comment: This sequence change replaces proline, which is neutral and non-polar, with serine, which is neutral and polar, at codon 81 of the TYR protein (p.Pro81Ser). This variant is present in population databases (rs754654473, gnomAD 0.0009%). This missense change has been observed in individual(s) with oculocutaneous albinism (PMID: 13680365, 29345414, 30472657). In at least one individual the data is consistent with being in trans (on the opposite chromosome) from a pathogenic variant. ClinVar contains an entry for this variant (Variation ID: 2679408). Invitae Evidence Modeling of protein sequence and biophysical properties (such as structural, functional, and spatial information, amino acid conservation, physicochemical variation, residue mobility, and thermodynamic stability) indicates that this missense variant is expected to disrupt TYR protein function with a positive predictive value of 95%. Experimental studies have shown that this missense change affects TYR function (PMID: 27537549). This variant disrupts the p.Pro81 amino acid residue in TYR. Other variant(s) that disrupt this residue have been determined to be pathogenic (PMID: 1970634, 8434585, 10987646, 29345414). This suggests that this residue is clinically significant, and that variants that disrupt this residue are likely to be disease-causing. For these reasons, this variant has been classified as Pathogenic.

Fulgent Genetics
Classification: Likely pathogenic for Oculocutaneous albinism type 1A; SKIN/HAIR/EYE PIGMENTATION 3, LIGHT/DARK SKIN; Oculocutaneous albinism type 1B. Last evaluated: 2024-01-23. Review status: criteria provided, single submitter. Criteria: ACMG Guidelines, 2015. Collection method: clinical testing. Allele origin: germline.

Baylor Genetics
Classification: Pathogenic for SKIN/HAIR/EYE PIGMENTATION 3, LIGHT/DARK SKIN. Last evaluated: 2023-12-01. Review status: criteria provided, single submitter. Criteria: ACMG Guidelines, 2015. Collection method: clinical testing. Allele origin: unknown.

Literature cited by the submitters: PubMed 13680365 (cited by Labcorp Genetics (formerly Invitae), Labcorp); PubMed 29345414 (cited by Labcorp Genetics (formerly Invitae), Labcorp); PubMed 30472657 (cited by Labcorp Genetics (formerly Invitae), Labcorp); PubMed 27537549 (cited by Labcorp Genetics (formerly Invitae), Labcorp); PubMed 1970634 (cited by Labcorp Genetics (formerly Invitae), Labcorp); PubMed 8434585 (cited by Labcorp Genetics (formerly Invitae), Labcorp); PubMed 10987646 (cited by Labcorp Genetics (formerly Invitae), Labcorp).